The following is an entry in ClinVar:

NM_012210.4(TRIM32):c.875G>A (p.Gly292Glu)

Genes: ASTN2 (astrotactin 2; minus strand), TRIM32 (tripartite motif containing 32; plus strand). Cytogenetic location: 9q33.1.
Variant type: single nucleotide variant.
Coding change: c.875G>A on transcript NM_012210.4 (MANE Select); coding-DNA position 875, G replaced by A.
Protein change: p.Gly292Glu; replaces glycine 292 with glutamic acid.
Molecular consequence: missense variant. On other transcripts: intron variant (3).
Genome position (GRCh38, 1-based): chr9:116,698,617, G>A. VCF-style: chr9-116698617-G-A. GRCh37 (hg19) VCF-style: chr9-119460896-G-A.
Other names: c.875G>A, p.Gly292Glu (NM_001099679.2, NM_001379048.1, NM_001379049.1 and 1 more transcripts); c.2653+27154C>T (NM_014010.5); c.2794+27154C>T (NM_001365069.1); c.2806+27154C>T (NM_001365068.1); short protein forms G292E.
Identifiers: ClinVar variation 531825 (VCV000531825.6), dbSNP rs1554732992, ClinGen allele CA374650162.

ClinVar aggregate classification (germline): Uncertain significance (1 of 4 stars; one submission).

Conditions:
Bardet-Biedl syndrome (BBS). Identifiers: Orphanet 110, MedGen C0752166, MONDO:0015229.

Allele frequency attached by ClinVar (database versions not stated): gnomAD exomes below 0.00001.
gnomAD v4.1: 1 of 1,614,106 alleles (0.000062%); highest among the groups gnomAD compares: Non-Finnish European, 0.000085%; no homozygotes.

Submission:

Labcorp Genetics (formerly Invitae), Labcorp
Classification: Uncertain significance for Bardet-Biedl syndrome. Last evaluated: 2022-02-05. Review status: criteria provided, single submitter. Criteria: Invitae Variant Classification Sherloc (09022015). Collection method: clinical testing. Allele origin: germline.
Comment: In summary, the available evidence is currently insufficient to determine the role of this variant in disease. Therefore, it has been classified as a Variant of Uncertain Significance. Algorithms developed to predict the effect of missense changes on protein structure and function are either unavailable or do not agree on the potential impact of this missense change (SIFT: "Deleterious"; PolyPhen-2: "Possibly Damaging"; Align-GVGD: "Class C15"). ClinVar contains an entry for this variant (Variation ID: 531825). This variant has not been reported in the literature in individuals affected with TRIM32-related conditions. This variant is not present in population databases (gnomAD no frequency). This sequence change replaces glycine, which is neutral and non-polar, with glutamic acid, which is acidic and polar, at codon 292 of the TRIM32 protein (p.Gly292Glu).